The following is an entry in ClinVar:

NM_001256789.3(CACNA1F):c.3756_3757insACGCTCTTATT (p.Gly1253fs)

Gene: CACNA1F (calcium voltage-gated channel subunit alpha1 F; minus strand). Cytogenetic location: Xp11.23.
Variant type: Insertion.
Coding change: c.3756_3757insACGCTCTTATT on transcript NM_001256789.3 (MANE Select); coding-DNA positions 3756 to 3757, ACGCTCTTATT inserted.
Protein change: p.Gly1253fs; shifts the reading frame from glycine 1253.
Molecular consequence: frameshift variant.
Genome position: GRCh38 VCF-style: chrX-49213854-C-CAATAAGAGCGT. GRCh37 (hg19) VCF-style: chrX-49070314-C-CAATAAGAGCGT.
Other names: NM_005183.4:c.3789_3790insACGCTCTTATT; c.3594_3595insACGCTCTTATT, p.Gly1199fs (NM_001256790.3); c.3789_3790insACGCTCTTATT, p.Gly1264fs (NM_005183.4); short protein forms G1264fs, G1199fs, G1253fs.
Identifiers: ClinVar variation 4974512 (VCV004974512.1).

ClinVar aggregate classification (germline): Uncertain significance (1 of 4 stars; one submission).

Conditions:
CACNA1F-related retinopathy. Identifiers: MedGen CN375918, MONDO:0700243.

Submission:

Broad Center for Mendelian Genomics, Broad Institute of MIT and Harvard
Classification: Uncertain significance for CACNA1F-related retinopathy. Last evaluated: 2026-08-26. Review status: criteria provided, single submitter. Criteria: ACMG Guidelines, 2015. Collection method: research. Allele origin: germline. Inheritance: X-linked inheritance. Study: GREGoR Consortium.
Comment: The p.Gly1253ThrfsTer7 variant in CACNA1F has not been previously reported in the literature in individuals with these features, and was absent from large population studies. This variant is predicted to cause a frameshift, which alters the protein’s amino acid sequence beginning at position 1253 and leads to a premature termination codon 7 amino acids downstream. This alteration is then predicted to lead to a truncated or absent protein. Hemizygous loss of function of the CACNA1F gene is an established disease mechanism in CACNA1F-related retinopathy. In summary, although additional studies are required to fully establish its clinical significance, this variant is likely pathogenic for X-linked CACNA1F-related retinopathy. ACMG/AMP Criteria applied: PVS1, PM2_supporting (Richards 2015).